The following is an entry in ClinVar:

ClinVar aggregate classification (germline): Likely benign (1 of 4 stars; one submission).

Submission:

CeGaT Center for Human Genetics Tuebingen
Classification: Likely benign. Last evaluated: 2023-10-01. Review status: criteria provided, single submitter. Criteria: CeGaT Center For Human Genetics Tuebingen Variant Classification Criteria Version 2. Collection method: clinical testing. Allele origin: germline. Affected: yes. Observed: 1 variant allele.
Comment: PLA2G6: PM2:Supporting, BP4, BP7

NM_003560.4(PLA2G6):c.1894C>A (p.Arg632=)

Gene: PLA2G6 (phospholipase A2 group VI; minus strand). Cytogenetic location: 22q13.1.
Variant type: single nucleotide variant.
Coding change: c.1894C>A on transcript NM_003560.4 (MANE Select); coding-DNA position 1894, C replaced by A.
Protein change: p.Arg632=; no amino-acid change (arginine 632 retained).
Molecular consequence: synonymous variant.
Genome position (GRCh38, 1-based): chr22:38,115,667, G>T on the plus strand (C>A on the coding strand, the complement: PLA2G6 is on the minus strand). VCF-style: chr22-38115667-G-T. GRCh37 (hg19) VCF-style: chr22-38511674-G-T.
Other names: c.1732C>A, p.Arg578= (NM_001004426.3, NM_001199562.3, NM_001349865.2 and 1 more transcripts); c.1894C>A, p.Arg632= (NM_001349864.2); c.1360C>A, p.Arg454= (NM_001349867.2); c.1216C>A, p.Arg406= (NM_001349868.2); c.1198C>A, p.Arg400= (NM_001349869.2).
Identifiers: ClinVar variation 2653136 (VCV002653136.24), dbSNP rs121908683, ClinGen allele CA514544248.